The following is an entry in ClinVar:

NM_005902.4(SMAD3):c.872-2A>G

Gene: SMAD3 (SMAD family member 3; plus strand). Cytogenetic location: 15q22.33.
Variant type: single nucleotide variant.
Coding change: c.872-2A>G on transcript NM_005902.4 (MANE Select); the canonical splice acceptor site of the intron before coding-DNA position 872, A replaced by G.
Molecular consequence: splice acceptor variant. On other transcripts: intron variant (1).
Genome position (GRCh38, 1-based): chr15:67,184,725, A>G. VCF-style: chr15-67184725-A-G. GRCh37 (hg19) VCF-style: chr15-67477063-A-G.
Other names: c.872-2A>G (NM_001407011.1); c.872-2640A>G (NM_001407013.1); c.740-2A>G (NM_001407012.1, NM_001145103.2); c.725-2A>G (NM_001407014.1); c.557-2A>G (NM_001145102.2, NM_001407016.1); c.425-2A>G (NM_001407015.1); c.287-2A>G (NM_001145104.2, NM_001407017.1).
Identifiers: ClinVar variation 1968962 (VCV001968962.5), dbSNP rs2505299732, ClinGen allele CA392956617.
Genomic context (GRCh38, chr15:67,184,725, plus strand): 5'-GGCCCCAGGGCCATTGTGTGTGAGCAAAGGCACCCTGTCCAGTCTAACCTGAATCTCTGT[A>G]GGAAGAGGCGTGCGGCTCTACTACATCGGAGGGGAGGTCTTCGCAGAGTGCCTCAGTGAC-3'

ClinVar aggregate classification (germline): Likely pathogenic (1 of 4 stars; one submission).

Conditions:
Familial thoracic aortic aneurysm and aortic dissection (TAAD). Also called: Thoracic aortic aneurysms and dissections. Identifiers: Orphanet 91387, MedGen C4707243, MONDO:0019625.

Submission:

Labcorp Genetics (formerly Invitae), Labcorp
Classification: Likely pathogenic for Familial thoracic aortic aneurysm and aortic dissection. Last evaluated: 2023-02-23. Review status: criteria provided, single submitter. Criteria: Invitae Variant Classification Sherloc (09022015). Collection method: clinical testing. Allele origin: germline.
Comment: This sequence change affects an acceptor splice site in intron 6 of the SMAD3 gene. It is expected to disrupt RNA splicing. Variants that disrupt the donor or acceptor splice site typically lead to a loss of protein function (PMID: 16199547), and loss-of-function variants in SMAD3 are known to be pathogenic (PMID: 21778426, 24804794). This variant is not present in population databases (gnomAD no frequency). This variant has not been reported in the literature in individuals affected with SMAD3-related conditions. Algorithms developed to predict the effect of sequence changes on RNA splicing suggest that this variant may disrupt the consensus splice site. In summary, the currently available evidence indicates that the variant is pathogenic, but additional data are needed to prove that conclusively. Therefore, this variant has been classified as Likely Pathogenic.

Literature cited by the submitters: PubMed 16199547; PubMed 21778426; PubMed 24804794.